The following is an entry in ClinVar:

ClinVar aggregate classification (germline): Uncertain significance (1 of 4 stars; one submission).

Submission:

Ambry Genetics
Classification: Uncertain significance. Last evaluated: 2024-01-01. Review status: criteria provided, single submitter. Criteria: Ambry Variant Classification Scheme 2023. Collection method: clinical testing. Allele origin: germline.
Comment: The p.R1311G variant (also known as c.3931A>G), located in coding exon 4 of the ALPK2 gene, results from an A to G substitution at nucleotide position 3931. The arginine at codon 1311 is replaced by glycine, an amino acid with dissimilar properties. This amino acid position is conserved. In addition, this alteration is predicted to be tolerated by in silico analysis. Since supporting evidence is limited at this time, the clinical significance of this alteration remains unclear.

NM_052947.4(ALPK2):c.3931A>G (p.Arg1311Gly)

Genes: ALPK2 (alpha kinase 2; minus strand), LOC126862764 (BRD4-independent group 4 enhancer GRCh37_chr18:56202574-56203773; plus strand). Cytogenetic location: 18q21.31.
Variant type: single nucleotide variant.
Coding change: c.3931A>G on transcript NM_052947.4 (MANE Select); coding-DNA position 3931, A replaced by G.
Protein change: p.Arg1311Gly; replaces arginine 1311 with glycine.
Molecular consequence: missense variant.
Genome position (GRCh38, 1-based): chr18:58,536,256, T>C on the plus strand (A>G on the coding strand, the complement: ALPK2 is on the minus strand). VCF-style: chr18-58536256-T-C. GRCh37 (hg19) VCF-style: chr18-56203488-T-C.
Other names: short protein forms R1311G.
Identifiers: ClinVar variation 3228713 (VCV003228713.1), dbSNP rs2518875706, ClinGen allele CA402565138.